The following is an entry in ClinVar:

ClinVar aggregate classification (germline): Uncertain significance (1 of 4 stars; one submission).

Submission:

Labcorp Genetics (formerly Invitae), Labcorp
Classification: Uncertain significance. Last evaluated: 2024-05-24. Review status: criteria provided, single submitter. Criteria: Invitae Variant Classification Sherloc (09022015). Collection method: clinical testing. Allele origin: germline.
Comment: This sequence change replaces proline, which is neutral and non-polar, with serine, which is neutral and polar, at codon 368 of the SEMA3A protein (p.Pro368Ser). This variant is not present in population databases (gnomAD no frequency). This variant has not been reported in the literature in individuals affected with SEMA3A-related conditions. Advanced modeling of protein sequence and biophysical properties (such as structural, functional, and spatial information, amino acid conservation, physicochemical variation, residue mobility, and thermodynamic stability) performed at Invitae indicates that this missense variant is not expected to disrupt SEMA3A protein function with a negative predictive value of 80%. In summary, the available evidence is currently insufficient to determine the role of this variant in disease. Therefore, it has been classified as a Variant of Uncertain Significance.

NM_006080.3(SEMA3A):c.1102C>T (p.Pro368Ser)

Gene: SEMA3A (semaphorin 3A; minus strand). Cytogenetic location: 7q21.11.
Variant type: single nucleotide variant.
Coding change: c.1102C>T on transcript NM_006080.3 (MANE Select); coding-DNA position 1102, C replaced by T.
Protein change: p.Pro368Ser; replaces proline 368 with serine.
Molecular consequence: missense variant.
Genome position (GRCh38, 1-based): chr7:84,007,391, G>A on the plus strand (C>T on the coding strand, the complement: SEMA3A is on the minus strand). VCF-style: chr7-84007391-G-A. GRCh37 (hg19) VCF-style: chr7-83636707-G-A.
Other names: short protein forms P368S.
Identifiers: ClinVar variation 3687595 (VCV003687595.2).